The following is an entry in ClinVar:

ClinVar aggregate classification (germline): Uncertain significance (1 of 4 stars; one submission).

Submission:

Ambry Genetics
Classification: Uncertain significance. Last evaluated: 2023-07-27. Review status: criteria provided, single submitter. Criteria: Ambry Variant Classification Scheme 2023. Collection method: clinical testing. Allele origin: germline.
Comment: The p.T445I variant (also known as c.1334C>T), located in coding exon 9 of the POLQ gene, results from a C to T substitution at nucleotide position 1334. The threonine at codon 445 is replaced by isoleucine, an amino acid with similar properties. This amino acid position is conserved. In addition, this alteration is predicted to be deleterious by in silico analysis. Since supporting evidence is limited at this time, the clinical significance of this alteration remains unclear.

NM_199420.4(POLQ):c.1334C>T (p.Thr445Ile)

Gene: POLQ (DNA polymerase theta; minus strand). Cytogenetic location: 3q13.33.
Variant type: single nucleotide variant.
Coding change: c.1334C>T on transcript NM_199420.4 (MANE Select); coding-DNA position 1334, C replaced by T.
Protein change: p.Thr445Ile; replaces threonine 445 with isoleucine.
Molecular consequence: missense variant.
Genome position (GRCh38, 1-based): chr3:121,520,005, G>A on the plus strand (C>T on the coding strand, the complement: POLQ is on the minus strand). VCF-style: chr3-121520005-G-A. GRCh37 (hg19) VCF-style: chr3-121238852-G-A.
Other names: short protein forms T445I.
Identifiers: ClinVar variation 2624451 (VCV002624451.2), dbSNP rs2546810177, ClinGen allele CA354119608.